The following is an entry in ClinVar:

NM_000393.5(COL5A2):c.3091C>T (p.Pro1031Ser)

Gene: COL5A2 (collagen type V alpha 2 chain; minus strand). Cytogenetic location: 2q32.2.
Variant type: single nucleotide variant.
Coding change: c.3091C>T on transcript NM_000393.5 (MANE Select); coding-DNA position 3091, C replaced by T.
Protein change: p.Pro1031Ser; replaces proline 1031 with serine.
Molecular consequence: missense variant.
Genome position (GRCh38, 1-based): chr2:189,049,403, G>A on the plus strand (C>T on the coding strand, the complement: COL5A2 is on the minus strand). VCF-style: chr2-189049403-G-A. GRCh37 (hg19) VCF-style: chr2-189914129-G-A.
Other names: short protein forms P1031S.
Identifiers: ClinVar variation 452450 (VCV000452450.9), dbSNP rs187336363, ClinGen allele CA2022112.

ClinVar aggregate classification (germline): Conflicting classifications of pathogenicity. Review status: criteria provided, conflicting classifications (1 of 4 stars). 3 submissions from 3 submitters: Uncertain significance (2); Likely benign (1). Last evaluated 2025-08-26.

Conditions:
Familial thoracic aortic aneurysm and aortic dissection (TAAD). Also called: Thoracic aortic aneurysms and dissections. Identifiers: Orphanet 91387, MedGen C4707243, MONDO:0019625.
Ehlers-Danlos syndrome, classic type, 1 (EDSCL1). Also called: EHLERS-DANLOS SYNDROME, GRAVIS TYPE; EHLERS-DANLOS SYNDROME, SEVERE CLASSIC TYPE; EDS I; Ehlers-Danlos Syndrome, Classic Type, COL5A1-Related; Ehlers-Danlos syndrome, type 1. Identifiers: MedGen C0268335, MONDO:0019567, OMIM 130000.

Allele frequency attached by ClinVar (database versions not stated): ExAC 0.00002; TOPMed 0.00003; gnomAD 0.00001 and 0.00002; gnomAD exomes 0.00001 and 0.00004; 1000 Genomes Project 30x 0.00016; 1000 Genomes Project 0.00020.
gnomAD v4.1: 15 of 1,613,718 alleles (0.00093%); highest among the groups gnomAD compares: East Asian, 0.018%; no homozygotes.

Submissions (3):

Labcorp Genetics (formerly Invitae), Labcorp
Classification: Likely benign for Ehlers-Danlos syndrome, classic type, 1. Last evaluated: 2025-08-26. Review status: criteria provided, single submitter. Criteria: Invitae Variant Classification Sherloc (09022015). Collection method: clinical testing. Allele origin: germline.

GeneDx
Classification: Uncertain significance. Last evaluated: 2017-10-03. Review status: criteria provided, single submitter. Criteria: GeneDx Variant Classification (06012015). Collection method: clinical testing. Allele origin: germline. Affected: yes.
Comment: The P1031S variant of uncertain significance in the COL5A2 gene has not been published as pathogenic or been reported as benign to our knowledge. P1031S was observed in 8/18,818 (0.04%) alleles from individuals of East Asian ancestry in the gnomAD dataset (Lek et al., 2016). The P1031S variant is a non-conservative amino acid substitution, which is likely to impact secondary protein structure as these residues differ in polarity, charge, size and/or other properties. Moreover, in silico analysis predicts this variant is probably damaging to the protein structure/function. However, this substitution occurs at a position that is not conserved, where S1031 is the wild-type residue in multiple species. Although the P1031S variant is located in the triple helical region of the COL5A2 gene, it does not affect a Glycine residue in a Gly-X-Y motif, where the majority of pathogenic missense variants occur (Stenson et al., 2014; Symoens et al., 2012).

Ambry Genetics
Classification: Uncertain significance for Familial thoracic aortic aneurysm and aortic dissection. Last evaluated: 2016-07-01. Review status: criteria provided, single submitter. Criteria: Ambry Variant Classification Scheme 2023. Collection method: clinical testing. Allele origin: germline.
Comment: The p.P1031S variant (also known as c.3091C>T), located in coding exon 44 of the COL5A2 gene, results from a C to T substitution at nucleotide position 3091. The proline at codon 1031 is replaced by serine, an amino acid with similar properties. This variant was previously reported in the SNPDatabase as rs187336363. Based on data from ExAC, the T allele has an overall frequency of less than 0.01% (2/96258). Based on data from the 1000 Genomes Project, the T allele has an overall frequency of approximately 0.05% (1/2098) total alleles studied. The highest observed frequency was 0.52% (1/194) Han Chinese alleles. This amino acid position is not well conserved in available vertebrate species, and serine is the reference amino acid in other vertebrate species. In addition, the in silico prediction for this alteration is inconclusive. Since supporting evidence is limited at this time, the clinical significance of this alteration remains unclear.